The following is an entry in ClinVar:

ClinVar aggregate classification (germline): Likely benign. Review status: criteria provided, multiple submitters, no conflicts (2 of 4 stars). 2 submissions from 2 submitters: Likely benign (2). Last evaluated 2023-09-04.

Conditions:
Neurofibromatosis, type 2 (SWNV). Also called: BILATERAL ACOUSTIC NEUROFIBROMATOSIS; NF2-Related Schwannomatosis; SCHWANNOMATOSIS, VESTIBULAR. Identifiers: Orphanet 637, MedGen C0027832, MONDO:0007039, OMIM 101000. Disease mechanism: loss of function.

Submissions (2):

All of Us Research Program, National Institutes of Health
Classification: Likely benign for Neurofibromatosis, type 2. Last evaluated: 2023-09-04. Review status: criteria provided, single submitter. Criteria: ACMG Guidelines, 2015. Collection method: clinical testing. Allele origin: germline. Inheritance: Autosomal dominant inheritance. Observed: 1 variant allele, 1 heterozygote.
Comment: This study involves interpretation of variants in research participants for the purpose of population health screening. Participant phenotype was not available at the time of variant classification. Additional details can be found in publication PMID: 35346344, PMCID: PMC8962531

Color Diagnostics, LLC DBA Color Health
Classification: Likely benign for Neurofibromatosis, type 2. Last evaluated: 2023-08-23. Review status: criteria provided, single submitter. Criteria: ACMG Guidelines, 2015. Collection method: clinical testing. Allele origin: germline.

NM_000268.4(NF2):c.241-7T>C

Gene: NF2 (NF2, moesin-ezrin-radixin like (MERLIN) tumor suppressor; plus strand). Cytogenetic location: 22q12.2.
Variant type: single nucleotide variant.
Coding change: c.241-7T>C on transcript NM_000268.4 (MANE Select); 7 bases into the intron before coding-DNA position 241, T replaced by C.
Molecular consequence: intron variant.
Genome position (GRCh38, 1-based): chr22:29,639,083, T>C. VCF-style: chr22-29639083-T-C. GRCh37 (hg19) VCF-style: chr22-30035072-T-C.
Other names: c.241-7T>C (NM_016418.5, NM_181832.3, NM_001407060.1 and 5 more transcripts); c.127-7T>C (NM_001407056.1, NM_001407053.1); c.10-7T>C (NM_001407067.1); c.-400-7T>C (NM_001407065.1); c.240+2207T>C (NM_001407058.1, NM_181829.3, NM_001407054.1 and 1 more transcripts); c.115-7T>C (NM_181828.3, NM_001407055.1); c.115-3119T>C (NM_001407063.1, NM_181830.3, NM_001407064.1 and 1 more transcripts).
Identifiers: ClinVar variation 3073342 (VCV003073342.2), dbSNP rs2518435172, ClinGen allele CA2825002878.
Genomic context (GRCh38, chr22:29,639,083, plus strand): 5'-TCTTTGAGGGTAGCACAGGAGGAAGTGCCAATATAGTGTGTTTGTCTTTTGCTCTGCAAT[T>C]CTGCAGGTACTGGATCATGATGTTTCAAAGGAAGAACCAGTCACCTTTCACTTCTTGGCC-3'